The following is an entry in ClinVar:

NM_005188.4(CBL):c.2458C>T (p.Pro820Ser)

Gene: CBL (Cbl proto-oncogene; plus strand). Cytogenetic location: 11q23.3.
Variant type: single nucleotide variant.
Coding change: c.2458C>T on transcript NM_005188.4 (MANE Select); coding-DNA position 2458, C replaced by T.
Protein change: p.Pro820Ser; replaces proline 820 with serine.
Molecular consequence: missense variant.
Genome position (GRCh38, 1-based): chr11:119,299,518, C>T. VCF-style: chr11-119299518-C-T. GRCh37 (hg19) VCF-style: chr11-119170228-C-T.
Other names: c.2458C>T (NM_005188.2); short protein forms P820S.
Identifiers: ClinVar variation 2081683 (VCV002081683.5), dbSNP rs1356499832, ClinGen allele CA382931915.

ClinVar aggregate classification (germline): Uncertain significance. Review status: criteria provided, multiple submitters, no conflicts (2 of 4 stars). 2 submissions from 2 submitters: Uncertain significance (2). Last evaluated 2025-02-20.

Conditions:
RASopathy. Also called: rasopathies; Noonan spectrum disorder. Identifiers: Orphanet 536391, MedGen C5555857, MONDO:0021060.
Cardiovascular phenotype. Identifiers: MedGen CN230736.

Submissions (2):

Ambry Genetics
Classification: Uncertain significance for Cardiovascular phenotype. Last evaluated: 2025-02-20. Review status: criteria provided, single submitter. Criteria: Ambry Variant Classification Scheme 2023. Collection method: clinical testing. Allele origin: germline.
Comment: The p.P820S variant (also known as c.2458C>T), located in coding exon 16 of the CBL gene, results from a C to T substitution at nucleotide position 2458. The proline at codon 820 is replaced by serine, an amino acid with similar properties. This amino acid position is conserved. In addition, this alteration is predicted to be deleterious by in silico analysis. Based on the available evidence, the clinical significance of this variant remains unclear.

Labcorp Genetics (formerly Invitae), Labcorp
Classification: Uncertain significance for RASopathy. Last evaluated: 2022-07-24. Review status: criteria provided, single submitter. Criteria: Invitae Variant Classification Sherloc (09022015). Collection method: clinical testing. Allele origin: germline.
Comment: In summary, the available evidence is currently insufficient to determine the role of this variant in disease. Therefore, it has been classified as a Variant of Uncertain Significance. Advanced modeling of protein sequence and biophysical properties (such as structural, functional, and spatial information, amino acid conservation, physicochemical variation, residue mobility, and thermodynamic stability) performed at Invitae indicates that this missense variant is not expected to disrupt CBL protein function. This variant has not been reported in the literature in individuals affected with CBL-related conditions. This variant is not present in population databases (gnomAD no frequency). This sequence change replaces proline, which is neutral and non-polar, with serine, which is neutral and polar, at codon 820 of the CBL protein (p.Pro820Ser).